The following is an entry in ClinVar:

NM_001853.4(COL9A3):c.424-115T>G

Gene: COL9A3 (collagen type IX alpha 3 chain; plus strand). Cytogenetic location: 20q13.33.
Variant type: single nucleotide variant.
Coding change: c.424-115T>G on transcript NM_001853.4 (MANE Select); 115 bases into the intron before coding-DNA position 424, T replaced by G.
Molecular consequence: intron variant.
Genome position (GRCh38, 1-based): chr20:62,821,996, T>G. VCF-style: chr20-62821996-T-G. GRCh37 (hg19) VCF-style: chr20-61453348-T-G.
Identifiers: ClinVar variation 674858 (VCV000674858.2), dbSNP rs8114983, ClinGen allele CA14765338.
Genomic context (GRCh38, chr20:62,821,996, plus strand): 5'-GTTGGTAGAAGCCCTGGCCAATGATCCAGACCCGACCTCAGGACGCAGACACCAGCACAG[T>G]CCGTGGGAGTGGGGGCTGGTGGGAGCTGGGCGTGTCCACCTCCCTGGGAGAAGCCGGGCA-3'

ClinVar aggregate classification (germline): Benign. Review status: criteria provided, multiple submitters, no conflicts (2 of 4 stars). 2 submissions from 2 submitters: Benign (2). Last evaluated 2018-06-16.

Allele frequency attached by ClinVar (database versions not stated): gnomAD exomes 0.43954; 1000 Genomes Project 0.49081; 1000 Genomes Project 30x 0.50078; gnomAD 0.51665 and 0.52343; TOPMed 0.52674.

Submissions (2):

GeneDx
Classification: Benign. Last evaluated: 2018-06-16. Review status: criteria provided, single submitter. Criteria: GeneDx Variant Classification (06012015). Collection method: clinical testing. Allele origin: germline. Affected: yes.
Comment: This variant is considered likely benign or benign based on one or more of the following criteria: it is a conservative change, it occurs at a poorly conserved position in the protein, it is predicted to be benign by multiple in silico algorithms, and/or has population frequency not consistent with disease.

Breakthrough Genomics
Classification: Benign. Review status: criteria provided, single submitter. Criteria: ACMG Guidelines, 2015. Collection method: not provided. Allele origin: germline. Inheritance: Autosomal recessive inheritance. Affected: yes.